The following is an entry in ClinVar:

NM_033641.4(COL4A6):c.1613C>T (p.Ser538Leu)

Gene: COL4A6 (collagen type IV alpha 6 chain; minus strand). Cytogenetic location: Xq22.3.
Variant type: single nucleotide variant.
Coding change: c.1613C>T on transcript NM_033641.4 (MANE Select); coding-DNA position 1613, C replaced by T.
Protein change: p.Ser538Leu; replaces serine 538 with leucine.
Molecular consequence: missense variant.
Genome position (GRCh38, 1-based): chrX:108,188,002, G>A on the plus strand (C>T on the coding strand, the complement: COL4A6 is on the minus strand). VCF-style: chrX-108188002-G-A. GRCh37 (hg19) VCF-style: chrX-107431232-G-A.
Other names: c.1616C>T (NM_001847.3, NM_001847.2); c.1613C>T, p.Ser538Leu (NM_001287758.2, NM_001287759.2, NM_001287760.2); c.1616C>T, p.Ser539Leu (NM_001847.4); short protein forms S538L, S539L.
Identifiers: ClinVar variation 1533079 (VCV001533079.13), dbSNP rs775923727, ClinGen allele CA10487800.

ClinVar aggregate classification (germline): Conflicting classifications of pathogenicity. Review status: criteria provided, conflicting classifications (1 of 4 stars). 4 submissions from 4 submitters: Uncertain significance (1); Likely benign (2). 1 of the submissions does not count toward it. Last evaluated 2025-11-18.

Conditions:
COL4A6-related disorder. Also called: COL4A6-related condition.

Allele frequency attached by ClinVar (database versions not stated): gnomAD exomes 0.00004 and 0.00019; ExAC 0.00009; gnomAD 0.00013 and 0.00015; 1000 Genomes Project 30x 0.00021; 1000 Genomes Project 0.00026; TOPMed 0.00029.
gnomAD v4.1: 59 of 1,196,832 alleles (0.0049%); highest among the groups gnomAD compares: Admixed American, 0.12%; no homozygotes.

Submissions (4):

Labcorp Genetics (formerly Invitae), Labcorp
Classification: Likely benign. Last evaluated: 2025-11-18. Review status: criteria provided, single submitter. Criteria: Invitae Variant Classification Sherloc (09022015). Collection method: clinical testing. Allele origin: germline.

Ambry Genetics
Classification: Uncertain significance. Last evaluated: 2025-03-19. Review status: criteria provided, single submitter. Criteria: Ambry Variant Classification Scheme 2023. Collection method: clinical testing. Allele origin: germline.

Blueprint Genetics
Classification: Likely benign. Last evaluated: 2023-06-14. Review status: criteria provided, single submitter. Criteria: ACMG Guidelines, 2015. Collection method: clinical testing. Allele origin: germline.

PreventionGenetics, part of Exact Sciences
Classification: Likely benign for COL4A6-related condition. Last evaluated: 2023-06-29. Review status: no assertion criteria provided. Collection method: clinical testing. Allele origin: germline. Not counted in ClinVar's aggregate classification.
Comment: This variant is classified as likely benign based on ACMG/AMP sequence variant interpretation guidelines (Richards et al. 2015 PMID: 25741868, with internal and published modifications).